The following is an entry in ClinVar:

ClinVar aggregate classification (germline): Uncertain significance (1 of 4 stars; one submission).

Conditions:
Cardiovascular phenotype. Identifiers: MedGen CN230736.

gnomAD v4.1: 6 of 1,611,988 alleles (0.00037%); highest among the groups gnomAD compares: Non-Finnish European, 0.00042%; no homozygotes.

Submission:

Ambry Genetics
Classification: Uncertain significance for Cardiovascular phenotype. Last evaluated: 2023-12-25. Review status: criteria provided, single submitter. Criteria: Ambry Variant Classification Scheme 2023. Collection method: clinical testing. Allele origin: germline.
Comment: The p.R377G variant (also known as c.1129C>G), located in coding exon 3 of the MYPN gene, results from a C to G substitution at nucleotide position 1129. The arginine at codon 377 is replaced by glycine, an amino acid with dissimilar properties. This amino acid position is conserved. In addition, the in silico prediction for this alteration is inconclusive. Since supporting evidence is limited at this time, the clinical significance of this alteration remains unclear.

NM_032578.4(MYPN):c.1129C>G (p.Arg377Gly)

Gene: MYPN (myopalladin; plus strand). Cytogenetic location: 10q21.3.
Variant type: single nucleotide variant.
Coding change: c.1129C>G on transcript NM_032578.4 (MANE Select); coding-DNA position 1129, C replaced by G.
Protein change: p.Arg377Gly; replaces arginine 377 with glycine.
Molecular consequence: missense variant. On other transcripts: non-coding transcript variant (2).
Genome position (GRCh38, 1-based): chr10:68,145,525, C>G. VCF-style: chr10-68145525-C-G. GRCh37 (hg19) VCF-style: chr10-69905282-C-G.
Other names: c.1129C>G, p.Arg377Gly (NM_001256267.2); c.247C>G, p.Arg83Gly (NM_001256268.2); short protein forms R377G, R83G.
Identifiers: ClinVar variation 3228150 (VCV003228150.1), dbSNP rs781261060, ClinGen allele CA376830782.